The following is an entry in ClinVar:

ClinVar aggregate classification (germline): Pathogenic (1 of 4 stars; one submission).

Submission:

Labcorp Genetics (formerly Invitae), Labcorp
Classification: Pathogenic. Last evaluated: 2024-02-24. Review status: criteria provided, single submitter. Criteria: Invitae Variant Classification Sherloc (09022015). Collection method: clinical testing. Allele origin: germline.
Comment: This sequence change replaces tryptophan, which is neutral and slightly polar, with cysteine, which is neutral and slightly polar, at codon 96 of the RS1 protein (p.Trp96Cys). This variant is not present in population databases (gnomAD no frequency). This missense change has been observed in individuals with retinoschisis (PMID: 20809529; Invitae). ClinVar contains an entry for this variant (Variation ID: 960641). Advanced modeling of protein sequence and biophysical properties (such as structural, functional, and spatial information, amino acid conservation, physicochemical variation, residue mobility, and thermodynamic stability) performed at Invitae indicates that this missense variant is expected to disrupt RS1 protein function with a positive predictive value of 95%. Experimental studies have shown that this missense change affects RS1 function (PMID: 20809529). This variant disrupts the p.Trp96 amino acid residue in RS1. Other variant(s) that disrupt this residue have been determined to be pathogenic (PMID: 16361673, 28559085). This suggests that this residue is clinically significant, and that variants that disrupt this residue are likely to be disease-causing. For these reasons, this variant has been classified as Pathogenic.

Literature cited by the submitters: PubMed 20809529; PubMed 16361673; PubMed 28559085.

NM_000330.4(RS1):c.288G>C (p.Trp96Cys)

Genes: CDKL5 (cyclin dependent kinase like 5; plus strand), RS1 (retinoschisin 1; minus strand). Cytogenetic location: Xp22.13.
Variant type: single nucleotide variant.
Coding change: c.288G>C on transcript NM_000330.4 (MANE Select); coding-DNA position 288, G replaced by C.
Protein change: p.Trp96Cys; replaces tryptophan 96 with cysteine.
Molecular consequence: missense variant. On other transcripts: intron variant (2).
Genome position (GRCh38, 1-based): chrX:18,647,229, C>G on the plus strand (G>C on the coding strand, the complement: RS1 is on the minus strand). VCF-style: chrX-18647229-C-G. GRCh37 (hg19) VCF-style: chrX-18665349-C-G.
Other names: c.2797+1139C>G (NM_003159.3, NM_001037343.2); short protein forms W96C.
Identifiers: ClinVar variation 960641 (VCV000960641.10), dbSNP rs61752064, ClinGen allele CA412372764.
Genomic context (GRCh38, chrX:18,647,229, plus strand): 5'-AAAATCCCCGGGCCCTGCTTACCCAAAGCCTTGACTGTTGAGCCGGGCCTTGTTTGCAGT[C>G]CACGAAGAATACCAGCCCACATACTGCTCCGGGTTAGAGCAGGTGATCTGGTCCGGTGTG-3'
Protein context (NP_000321.1, residues 86-106): PEQYVGWYSS[Trp96Cys]TANKARLNSQ